The following is an entry in ClinVar:

ClinVar aggregate classification (germline): Uncertain significance (1 of 4 stars; one submission).

gnomAD v4.1: 5 of 1,613,058 alleles (0.00031%); highest among the groups gnomAD compares: Non-Finnish European, 0.00042%; no homozygotes.

Submission:

GeneDx
Classification: Uncertain significance. Last evaluated: 2024-10-15. Review status: criteria provided, single submitter. Criteria: GeneDx Variant Classification Process June 2021. Collection method: clinical testing. Allele origin: germline. Affected: yes.
Comment: Not observed at significant frequency in large population cohorts (gnomAD); In silico analysis supports that this missense variant has a deleterious effect on protein structure/function; Has not been previously published as pathogenic or benign to our knowledge

NM_004859.4(CLTC):c.2932G>T (p.Ala978Ser)

Gene: CLTC (clathrin heavy chain; plus strand). Cytogenetic location: 17q23.1.
Variant type: single nucleotide variant.
Coding change: c.2932G>T on transcript NM_004859.4 (MANE Select); coding-DNA position 2932, G replaced by T.
Protein change: p.Ala978Ser; replaces alanine 978 with serine.
Molecular consequence: missense variant.
Genome position (GRCh38, 1-based): chr17:59,680,924, G>T. VCF-style: chr17-59680924-G-T. GRCh37 (hg19) VCF-style: chr17-57758285-G-T.
Other names: c.2944G>T, p.Ala982Ser (NM_001288653.2); short protein forms A982S, A978S.
Identifiers: ClinVar variation 3781117 (VCV003781117.1).
Genomic context (GRCh38, chr17:59,680,924, plus strand): 5'-TAAAACCAACTTGATTCTCAGTACTTATGTCCCATATATCCTCTGTAGGTTGTACAAACA[G>T]CTTTGTCTGAGACTCAGGACCCTGAAGAAGTGTCAGTAACTGTAAAGGCTTTCATGACTG-3'
Protein context (NP_004850.1, residues 968-988): RPLIDQVVQT[Ala978Ser]LSETQDPEEV